The following is an entry in ClinVar:

ClinVar aggregate classification (germline): Uncertain significance (1 of 4 stars; one submission).

gnomAD v4.1: 1 of 1,610,718 alleles (0.000062%); highest among the groups gnomAD compares: Non-Finnish European, 0.000085%; no homozygotes.

Submission:

Ambry Genetics
Classification: Uncertain significance. Last evaluated: 2026-06-02. Review status: criteria provided, single submitter. Criteria: Ambry Variant Classification Scheme 2023. Collection method: clinical testing. Allele origin: germline.
Comment: The p.T1867K variant (also known as c.5600C>A), located in coding exon 22 of the WNK2 gene, results from a C to A substitution at nucleotide position 5600. The threonine at codon 1867 is replaced by lysine, an amino acid with similar properties. This amino acid position is conserved. In addition, the in silico prediction for this alteration is inconclusive. Based on the available evidence, the clinical significance of this variant remains unclear.

NM_006648.4(WNK2):c.5600C>A (p.Thr1867Lys)

Gene: WNK2 (WNK lysine deficient protein kinase 2; plus strand). Cytogenetic location: 9q22.31.
Variant type: single nucleotide variant.
Coding change: c.5600C>A on transcript NM_006648.4 (MANE Select); coding-DNA position 5600, C replaced by A.
Protein change: p.Thr1867Lys; replaces threonine 1867 with lysine.
Molecular consequence: missense variant.
Genome position (GRCh38, 1-based): chr9:93,293,065, C>A. VCF-style: chr9-93293065-C-A. GRCh37 (hg19) VCF-style: chr9-96055347-C-A.
Other names: c.5711C>A, p.Thr1904Lys (NM_001282394.3); short protein forms T1867K, T1904K.
Identifiers: ClinVar variation 4866727 (VCV004866727.1).